The following is an entry in ClinVar:

NM_000718.4(CACNA1B):c.3421C>T (p.Arg1141Cys)

Gene: CACNA1B (calcium voltage-gated channel subunit alpha1 B; plus strand). Cytogenetic location: 9q34.3.
Variant type: single nucleotide variant.
Coding change: c.3421C>T on transcript NM_000718.4 (MANE Select); coding-DNA position 3421, C replaced by T.
Protein change: p.Arg1141Cys; replaces arginine 1141 with cysteine.
Molecular consequence: missense variant.
Genome position (GRCh38, 1-based): chr9:138,046,911, C>T. VCF-style: chr9-138046911-C-T. GRCh37 (hg19) VCF-style: chr9-140941363-C-T.
Other names: c.3421C>T, p.Arg1141Cys (NM_001243812.2); short protein forms R1141C.
Identifiers: ClinVar variation 977420 (VCV000977420.7), dbSNP rs780732725, ClinGen allele CA5376681.

ClinVar aggregate classification (germline): Uncertain significance. Review status: criteria provided, multiple submitters, no conflicts (2 of 4 stars). 4 submissions from 4 submitters: Uncertain significance (4). Last evaluated 2024-01-24.

Conditions:
Neurodevelopmental disorder with seizures and nonepileptic hyperkinetic movements. Identifiers: MedGen C5193128, MONDO:0032784, OMIM 618497.

Allele frequency attached by ClinVar (database versions not stated): gnomAD exomes below 0.00001 and 0.00002; ExAC 0.00001; TOPMed 0.00004; gnomAD 0.00005.

Submissions (4):

Ambry Genetics
Classification: Uncertain significance. Last evaluated: 2024-01-24. Review status: criteria provided, single submitter. Criteria: Ambry Variant Classification Scheme 2023. Collection method: clinical testing. Allele origin: germline.

Labcorp Genetics (formerly Invitae), Labcorp
Classification: Uncertain significance. Last evaluated: 2022-06-01. Review status: criteria provided, single submitter. Criteria: Invitae Variant Classification Sherloc (09022015). Collection method: clinical testing. Allele origin: germline.
Comment: This sequence change replaces arginine, which is basic and polar, with cysteine, which is neutral and slightly polar, at codon 1141 of the CACNA1B protein (p.Arg1141Cys). This variant is present in population databases (rs780732725, gnomAD 0.0009%). This variant has not been reported in the literature in individuals affected with CACNA1B-related conditions. ClinVar contains an entry for this variant (Variation ID: 977420). Advanced modeling of protein sequence and biophysical properties (such as structural, functional, and spatial information, amino acid conservation, physicochemical variation, residue mobility, and thermodynamic stability) performed at Invitae indicates that this missense variant is not expected to disrupt CACNA1B protein function. In summary, the available evidence is currently insufficient to determine the role of this variant in disease. Therefore, it has been classified as a Variant of Uncertain Significance.

Blueprint Genetics
Classification: Uncertain significance. Last evaluated: 2021-12-22. Review status: criteria provided, single submitter. Criteria: ACMG Guidelines, 2015. Collection method: clinical testing. Allele origin: germline.

New York Genome Center
Classification: Uncertain significance for Neurodevelopmental disorder with seizures and nonepileptic hyperkinetic movements. Last evaluated: 2020-03-24. Review status: criteria provided, single submitter. Criteria: NYGC Assertion Criteria 2020. Collection method: clinical testing. Allele origin: germline. Observed: 1 heterozygote. Study: CSER-NYCKidSeq.